The following is an entry in ClinVar:

NM_001040142.2(SCN2A):c.4842G>T (p.Leu1614=)

Gene: SCN2A (sodium voltage-gated channel alpha subunit 2; plus strand). Cytogenetic location: 2q24.3.
Variant type: single nucleotide variant.
Coding change: c.4842G>T on transcript NM_001040142.2 (MANE Select); coding-DNA position 4842, G replaced by T.
Protein change: p.Leu1614=; no amino-acid change (leucine 1614 retained).
Molecular consequence: synonymous variant.
Genome position (GRCh38, 1-based): chr2:165,388,648, G>T. VCF-style: chr2-165388648-G-T. GRCh37 (hg19) VCF-style: chr2-166245158-G-T.
Other names: c.4842G>T, p.Leu1614= (NM_001040143.2, NM_001371246.1, NM_001371247.1 and 1 more transcripts).
Identifiers: ClinVar variation 1129096 (VCV001129096.40), dbSNP rs148604854, ClinGen allele CA1940346.
Genomic context (GRCh38, chr2:165,388,648, plus strand): 5'-TAAGTATAACAATATTTTTGTTATTTGTTGATTTTCTACAGGAATGTTTCTGGCTGAACT[G>T]ATAGAAAAGTATTTTGTGTCCCCTACCCTGTTCCGAGTGATCCGTCTTGCCAGGATTGGC-3'
Protein context (NP_001035232.1, residues 1604-1624): LSIVGMFLAE[Leu1614=]IEKYFVSPTL

ClinVar aggregate classification (germline): Likely benign. Review status: criteria provided, multiple submitters, no conflicts (2 of 4 stars). 2 submissions from 2 submitters: Likely benign (2). Last evaluated 2025-05-01.

Conditions:
Seizures, benign familial infantile, 3 (BFIS3). Also called: Familial neonatal seizures; CONVULSIONS, BENIGN FAMILIAL INFANTILE, 3. Identifiers: Orphanet 140927, Orphanet 306, MedGen C1843140, MONDO:0011904, OMIM 607745.
Developmental and epileptic encephalopathy, 11 (DEE11). Also called: Early infantile epileptic encephalopathy 11. Identifiers: Orphanet 1934, MedGen C3150987, MONDO:0013388, OMIM 613721.

Allele frequency attached by ClinVar (database versions not stated): ExAC 0.00002; gnomAD exomes 0.00003; gnomAD 0.00004; TOPMed 0.00004; ESP Exome Variant Server 0.00008.

Submissions (2):

Labcorp Genetics (formerly Invitae), Labcorp
Classification: Likely benign for Seizures, benign familial infantile, 3; Developmental and epileptic encephalopathy, 11. Last evaluated: 2025-05-01. Review status: criteria provided, single submitter. Criteria: Invitae Variant Classification Sherloc (09022015). Collection method: clinical testing. Allele origin: germline.

CeGaT Center for Human Genetics Tuebingen
Classification: Likely benign. Last evaluated: 2022-07-01. Review status: criteria provided, single submitter. Criteria: CeGaT Center For Human Genetics Tuebingen Variant Classification Criteria Version 2. Collection method: clinical testing. Allele origin: germline. Affected: yes. Observed: 2 variant alleles.
Comment: SCN2A: BP4, BP7